The following is an entry in ClinVar:

ClinVar aggregate classification (germline): Uncertain significance (1 of 4 stars; one submission).

Conditions:
Hereditary cancer-predisposing syndrome. Also called: Hereditary Cancer Syndrome; Tumor predisposition; Hereditary neoplastic syndrome; Neoplastic Syndromes, Hereditary. Identifiers: Orphanet 140162, MedGen C0027672, MeSH D009386, MONDO:0015356.

gnomAD v4.1: 1 of 1,613,992 alleles (0.000062%); highest among the groups gnomAD compares: African/African-American, 0.0013%; no homozygotes.

Submission:

Ambry Genetics
Classification: Uncertain significance for Hereditary cancer-predisposing syndrome. Last evaluated: 2024-09-12. Review status: criteria provided, single submitter. Criteria: Ambry Variant Classification Scheme 2023. Collection method: clinical testing. Allele origin: germline.
Comment: The p.A453V variant (also known as c.1358C>T), located in coding exon 2 of the MET gene, results from a C to T substitution at nucleotide position 1358. The alanine at codon 453 is replaced by valine, an amino acid with similar properties. This amino acid position is conserved. In addition, the in silico prediction for this alteration is inconclusive. Based on the available evidence, the clinical significance of this variant remains unclear.

NM_000245.4(MET):c.1358C>T (p.Ala453Val)

Gene: MET (MET proto-oncogene, receptor tyrosine kinase; plus strand). Cytogenetic location: 7q31.2.
Variant type: single nucleotide variant.
Coding change: c.1358C>T on transcript NM_000245.4 (MANE Select); coding-DNA position 1358, C replaced by T.
Protein change: p.Ala453Val; replaces alanine 453 with valine.
Molecular consequence: missense variant.
Genome position (GRCh38, 1-based): chr7:116,731,825, C>T. VCF-style: chr7-116731825-C-T. GRCh37 (hg19) VCF-style: chr7-116371879-C-T.
Other names: c.1358C>T, p.Ala453Val (NM_001127500.3, NM_001324401.3); c.68C>T, p.Ala23Val (NM_001324402.2); short protein forms A453V, A23V.
Identifiers: ClinVar variation 3395088 (VCV003395088.1).